The following is an entry in ClinVar:

NM_004329.3(BMPR1A):c.1570A>C (p.Met524Leu)

Gene: BMPR1A (bone morphogenetic protein receptor type 1A; plus strand). Cytogenetic location: 10q23.2.
Variant type: single nucleotide variant.
Coding change: c.1570A>C on transcript NM_004329.3 (MANE Select); coding-DNA position 1570, A replaced by C.
Protein change: p.Met524Leu; replaces methionine 524 with leucine.
Molecular consequence: missense variant.
Genome position (GRCh38, 1-based): chr10:86,923,690, A>C. VCF-style: chr10-86923690-A-C. GRCh37 (hg19) VCF-style: chr10-88683447-A-C.
Other names: short protein forms M524L.
Identifiers: ClinVar variation 1525665 (VCV001525665.9), dbSNP rs747640982, ClinGen allele CA5585750.

ClinVar aggregate classification (germline): Uncertain significance. Review status: criteria provided, multiple submitters, no conflicts (2 of 4 stars). 3 submissions from 3 submitters: Uncertain significance (3). Last evaluated 2025-11-03.

Conditions:
Juvenile polyposis syndrome (JPS). Identifiers: Orphanet 2929, MedGen C0345893, MONDO:0017380, OMIM 174900.
Hereditary cancer-predisposing syndrome. Also called: Tumor predisposition; Hereditary neoplastic syndrome; Neoplastic Syndromes, Hereditary; Hereditary Cancer Syndrome. Identifiers: Orphanet 140162, MedGen C0027672, MeSH D009386, MONDO:0015356.

Allele frequency attached by ClinVar (database versions not stated): gnomAD exomes below 0.00001; ExAC 0.00001.
gnomAD v4.1: 1 of 1,614,082 alleles (0.000062%); highest among the groups gnomAD compares: Admixed American, 0.0017%; no homozygotes.

Submissions (3):

Color Diagnostics, LLC DBA Color Health
Classification: Uncertain significance for Hereditary cancer-predisposing syndrome. Last evaluated: 2025-11-03. Review status: criteria provided, single submitter. Criteria: ACMG Guidelines, 2015. Collection method: clinical testing. Allele origin: germline.
Comment: This missense variant replaces methionine with leucine at codon 524 of the BMPR1A protein. Computational prediction suggests that this variant may not impact protein structure and function. To our knowledge, functional studies have not been reported for this variant. This variant has not been reported in individuals affected with BMPR1A-related disorders in the literature. This variant has been identified in 1/1461714 chromosomes in the general population by the Genome Aggregation Database (gnomAD). The available evidence is insufficient to determine the role of this variant in disease conclusively. Therefore, this variant is classified as a Variant of Uncertain Significance.

Labcorp Genetics (formerly Invitae), Labcorp
Classification: Uncertain significance for Juvenile polyposis syndrome. Last evaluated: 2025-03-17. Review status: criteria provided, single submitter. Criteria: Invitae Variant Classification Sherloc (09022015). Collection method: clinical testing. Allele origin: germline.
Comment: This sequence change replaces methionine, which is neutral and non-polar, with leucine, which is neutral and non-polar, at codon 524 of the BMPR1A protein (p.Met524Leu). This variant is present in population databases (rs747640982, gnomAD 0.003%). This variant has not been reported in the literature in individuals affected with BMPR1A-related conditions. ClinVar contains an entry for this variant (Variation ID: 1525665). Invitae Evidence Modeling of protein sequence and biophysical properties (such as structural, functional, and spatial information, amino acid conservation, physicochemical variation, residue mobility, and thermodynamic stability) has been performed for this missense variant. However, the output from this modeling did not meet the statistical confidence thresholds required to predict the impact of this variant on BMPR1A protein function. In summary, the available evidence is currently insufficient to determine the role of this variant in disease. Therefore, it has been classified as a Variant of Uncertain Significance.

Ambry Genetics
Classification: Uncertain significance for Hereditary cancer-predisposing syndrome. Last evaluated: 2021-10-21. Review status: criteria provided, single submitter. Criteria: Ambry Variant Classification Scheme 2023. Collection method: clinical testing. Allele origin: germline.
Comment: The p.M524L variant (also known as c.1570A>C), located in coding exon 11 of the BMPR1A gene, results from an A to C substitution at nucleotide position 1570. The methionine at codon 524 is replaced by leucine, an amino acid with highly similar properties. This amino acid position is highly conserved in available vertebrate species. In addition, the in silico prediction for this alteration is inconclusive. Since supporting evidence is limited at this time, the clinical significance of this alteration remains unclear.